The following is an entry in ClinVar:

NM_000642.3(AGL):c.757G>C (p.Ala253Pro)

Gene: AGL (amylo-alpha-1,6-glucosidase and 4-alpha-glucanotransferase; plus strand). Cytogenetic location: 1p21.2.
Variant type: single nucleotide variant.
Coding change: c.757G>C on transcript NM_000642.3 (MANE Select); coding-DNA position 757, G replaced by C.
Protein change: p.Ala253Pro; replaces alanine 253 with proline.
Molecular consequence: missense variant.
Genome position (GRCh38, 1-based): chr1:99,870,492, G>C. VCF-style: chr1-99870492-G-C. GRCh37 (hg19) VCF-style: chr1-100336048-G-C.
Other names: c.757G>C, p.Ala253Pro (NM_000028.3, NM_000643.3, NM_000644.3 and 3 more transcripts); c.709G>C, p.Ala237Pro (NM_000646.3); c.553G>C, p.Ala185Pro (NM_001425328.1, NM_001425329.1); c.379G>C, p.Ala127Pro (NM_001425332.1); short protein forms A237P, A253P, A127P, A185P.
Identifiers: ClinVar variation 1435543 (VCV001435543.4), dbSNP rs745379427, ClinGen allele CA966260.
Genomic context (GRCh38, chr1:99,870,492, plus strand): 5'-GAATGTGCCTATAATCTTGTGAATTCTCCACACTTAAAACCTGCCTGGGTCTTAGACAGA[G>C]CACTTTGGCGTTTCTCCTGTGATGTTGCAGAAGGGAAATACAAAGAAAAGGGAATACCTG-3'
Protein context (NP_000633.2, residues 243-263): HLKPAWVLDR[Ala253Pro]LWRFSCDVAE

ClinVar aggregate classification (germline): Uncertain significance. Review status: criteria provided, multiple submitters, no conflicts (2 of 4 stars). 2 submissions from 2 submitters: Uncertain significance (2). Last evaluated 2024-12-27.

Conditions:
Glycogen storage disease type III (GSD3). Also called: FORBES DISEASE; Cori disease. Identifiers: Orphanet 366, MedGen C0017922, MONDO:0009291, OMIM 232400.

Allele frequency attached by ClinVar (database versions not stated): gnomAD exomes below 0.00001; ExAC 0.00001.
gnomAD v4.1: 1 of 1,614,048 alleles (0.000062%); highest among the groups gnomAD compares: Non-Finnish European, 0.000085%; no homozygotes.

Submissions (2):

Women's Health and Genetics/Laboratory Corporation of America, LabCorp
Classification: Uncertain significance. Last evaluated: 2024-12-27. Review status: criteria provided, single submitter. Criteria: LabCorp Variant Classification Summary - May 2015. Collection method: clinical testing. Allele origin: germline.
Comment: Variant summary: AGL c.757G>C (p.Ala253Pro) results in a non-conservative amino acid change located in the Alpha amylase catalytic domain found in glycogen debranching enzymes (IPR032792) of the encoded protein sequence. Five of five in-silico tools predict a damaging effect of the variant on protein function. The variant allele was found at a frequency of 4e-06 in 251318 control chromosomes. c.757G>C has been reported in the literature in individuals affected with Glycogen Storage Disease Type III (Goldstein_2010, Hijazi_2021, Invitae). These data indicate that the variant may be associated with disease. To our knowledge, no experimental evidence demonstrating an impact on protein function has been reported. The following publications have been ascertained in the context of this evaluation (PMID: 20648714, 34820282). ClinVar contains an entry for this variant (Variation ID: 1435543). Based on the evidence outlined above, the variant was classified as VUS-possibly pathogenic.

Labcorp Genetics (formerly Invitae), Labcorp
Classification: Uncertain significance for Glycogen storage disease type III. Last evaluated: 2021-10-13. Review status: criteria provided, single submitter. Criteria: Invitae Variant Classification Sherloc (09022015). Collection method: clinical testing. Allele origin: germline.
Comment: This sequence change replaces alanine with proline at codon 253 of the AGL protein (p.Ala253Pro). The alanine residue is moderately conserved and there is a small physicochemical difference between alanine and proline. This variant is present in population databases (rs745379427, ExAC 0.001%). This missense change has been observed in individual(s) with glycogen storage disease type III (PMID: 20648714; Invitae). Algorithms developed to predict the effect of missense changes on protein structure and function are either unavailable or do not agree on the potential impact of this missense change (SIFT: "Tolerated"; PolyPhen-2: "Probably Damaging"; Align-GVGD: "Class C0"). In summary, the available evidence is currently insufficient to determine the role of this variant in disease. Therefore, it has been classified as a Variant of Uncertain Significance.

Literature cited by the submitters: PubMed 20648714 (cited by Women's Health and Genetics/Laboratory Corporation of America, LabCorp and Labcorp Genetics (formerly Invitae), Labcorp); PubMed 34820282 (cited by Women's Health and Genetics/Laboratory Corporation of America, LabCorp).